The following is an entry in ClinVar:

ClinVar aggregate classification (germline): Uncertain significance (1 of 4 stars; one submission).

Conditions:
Growth delay due to insulin-like growth factor I resistance. Also called: Somatomedin end-organ insensitivity to; Somatomedin-c resistance to; IGF-1 resistance; IGF-I RESISTANCE; Insulin-Like Growth Factor I Resistance. Identifiers: Orphanet 73273, MedGen C1849157, MONDO:0010038, OMIM 270450.

gnomAD v4.1: 2 of 1,614,174 alleles (0.00012%); highest among the groups gnomAD compares: Non-Finnish European, 0.00017%; no homozygotes.

Submission:

Juno Genomics, Hangzhou Juno Genomics, Inc
Classification: Uncertain significance for Growth delay due to insulin-like growth factor I resistance. Review status: criteria provided, single submitter. Criteria: ACMG Guidelines, 2015. Collection method: clinical testing. Allele origin: germline.
Comment: Absent from controls (or at extremely low frequency if recessive) in Genome Aggregation Database.;Missense variant in a gene that has a low rate of benign missense variation.

NM_000875.5(IGF1R):c.1939C>T (p.Arg647Cys)

Gene: IGF1R (insulin like growth factor 1 receptor; plus strand). Cytogenetic location: 15q26.3.
Variant type: single nucleotide variant.
Coding change: c.1939C>T on transcript NM_000875.5 (MANE Select); coding-DNA position 1939, C replaced by T.
Protein change: p.Arg647Cys; replaces arginine 647 with cysteine.
Molecular consequence: missense variant.
Genome position (GRCh38, 1-based): chr15:98,916,074, C>T. VCF-style: chr15-98916074-C-T. GRCh37 (hg19) VCF-style: chr15-99459303-C-T.
Other names: c.1939C>T, p.Arg647Cys (NM_001291858.2); short protein forms R647C.
Identifiers: ClinVar variation 5005498 (VCV005005498.2).